The following is an entry in ClinVar:

NM_016592.5(GNAS):c.568G>T (p.Glu190Ter)

Genes: GNAS (GNAS complex locus; plus strand), GNAS-AS1 (GNAS antisense RNA 1; minus strand). Cytogenetic location: 20q13.32.
Variant type: single nucleotide variant.
Coding change: c.568G>T on transcript NM_016592.5 (MANE Plus Clinical); coding-DNA position 568, G replaced by T.
Protein change: p.Glu190Ter; replaces glutamic acid 190 with a stop codon.
Molecular consequence: nonsense. On other transcripts: 5 prime UTR variant (1).
Genome position (GRCh38, 1-based): chr20:58,840,674, G>T. VCF-style: chr20-58840674-G-T. GRCh37 (hg19) VCF-style: chr20-57415729-G-T.
Other names: c.-170G>T (NM_001410912.1); short protein forms E190*.
Identifiers: ClinVar variation 4997539 (VCV004997539.1).

ClinVar aggregate classification (germline): Uncertain significance (1 of 4 stars; one submission).

Conditions:
GNAS-related disorder. Identifiers: MedGen CN380105.

Submission:

PreventionGenetics, part of Exact Sciences
Classification: Uncertain significance for GNAS-related condition. Last evaluated: 2025-03-14. Review status: criteria provided, single submitter. Criteria: ACMG Guidelines, 2015. Collection method: clinical testing. Allele origin: germline.
Comment: The GNAS c.568G>T variant is predicted to result in premature protein termination (p.Glu190*). To our knowledge, this variant has not been reported in the literature or in a large population database (gnomAD), indicating this variant is rare. This variant is annotated in the primary transcript as NM_000516:c.-51053G>T (Pre-Coding). To our knowledge, only large deletions in the above region are conclusively pathogenic for pseudohypoparathyroidism type-Ib (PHP-Ib) due to methylation defects (Turan and Bastepe. 2015. PubMed ID: 25851935). Although, in some studies single nucleotide variants (SNVs) within this region have been reported in related diseases, the pathogenicity of these variants is still uncertain (see for example in Table 3 of Long et al. 2018. PubMed ID: 30022773). At this time, the clinical significance of this variant is uncertain due to the absence of conclusive functional and genetic evidence.